The following is an entry in ClinVar:

NM_018896.5(CACNA1G):c.5637C>G (p.Ser1879Arg)

Gene: CACNA1G (calcium voltage-gated channel subunit alpha1 G; plus strand). Cytogenetic location: 17q21.33.
Variant type: single nucleotide variant.
Coding change: c.5637C>G on transcript NM_018896.5 (MANE Select); coding-DNA position 5637, C replaced by G.
Protein change: p.Ser1879Arg; replaces serine 1879 with arginine.
Molecular consequence: missense variant. On other transcripts: non-coding transcript variant (5).
Genome position (GRCh38, 1-based): chr17:50,618,864, C>G. VCF-style: chr17-50618864-C-G. GRCh37 (hg19) VCF-style: chr17-48696225-C-G.
Other names: c.5514C>G, p.Ser1838Arg (NM_198388.3); c.5535C>G, p.Ser1845Arg (NM_198396.3, NM_001256329.2, NM_198376.3 and 2 more transcripts); c.5583C>G, p.Ser1861Arg (NM_001256324.2, NM_198386.3); c.5658C>G, p.Ser1886Arg (NM_001256325.2); c.5502C>G, p.Ser1834Arg (NM_001256326.2, NM_001256330.2); c.5616C>G, p.Ser1872Arg (NM_001256327.2); c.5562C>G, p.Ser1854Arg (NM_001256328.2); c.5481C>G, p.Ser1827Arg (NM_001256331.2); and 7 more; short protein forms S1822R, S1827R, S1834R, S1838R, S1841R, S1843R, S1845R, S1852R.
Identifiers: ClinVar variation 3352252 (VCV003352252.3).

ClinVar aggregate classification (germline): Uncertain significance. Review status: criteria provided, single submitter (1 of 4 stars). 2 submissions from 2 submitters: Uncertain significance (1). 1 of the submissions does not count toward it. Last evaluated 2024-04-16.

Conditions:
CACNA1G-related disorder. Also called: CACNA1G-related disorders; CACNA1G-related condition.

gnomAD v4.1: 4 of 1,613,092 alleles (0.00025%); highest among the groups gnomAD compares: Admixed American, 0.005%; no homozygotes.

Submissions (2):

Labcorp Genetics (formerly Invitae), Labcorp
Classification: Uncertain significance. Last evaluated: 2024-04-16. Review status: criteria provided, single submitter. Criteria: Invitae Variant Classification Sherloc (09022015). Collection method: clinical testing. Allele origin: germline.
Comment: This sequence change replaces serine, which is neutral and polar, with arginine, which is basic and polar, at codon 1879 of the CACNA1G protein (p.Ser1879Arg). This variant is present in population databases (no rsID available, gnomAD 0.003%). This variant has not been reported in the literature in individuals affected with CACNA1G-related conditions. Advanced modeling of protein sequence and biophysical properties (such as structural, functional, and spatial information, amino acid conservation, physicochemical variation, residue mobility, and thermodynamic stability) performed at Invitae indicates that this missense variant is not expected to disrupt CACNA1G protein function with a negative predictive value of 95%. In summary, the available evidence is currently insufficient to determine the role of this variant in disease. Therefore, it has been classified as a Variant of Uncertain Significance.

PreventionGenetics, part of Exact Sciences
Classification: Uncertain significance for CACNA1G-related condition. Last evaluated: 2024-03-29. Review status: no assertion criteria provided. Collection method: clinical testing. Allele origin: germline. Not counted in ClinVar's aggregate classification.
Comment: The CACNA1G c.5637C>G variant is predicted to result in the amino acid substitution p.Ser1879Arg. To our knowledge, this variant has not been reported in the literature. This variant is reported in one allele of approximately 247,000 in gnomAD. At this time, the clinical significance of this variant is uncertain due to the absence of conclusive functional and genetic evidence.